The following is an entry in ClinVar:

ClinVar aggregate classification (germline): Uncertain significance (0 of 4 stars; one submission).

Conditions:
Colorectal cancer. Also called: Colorectal cancer, somatic; Malignant Colorectal Neoplasm. Identifiers: MedGen C0346629, MONDO:0005575, OMIM 114500.

Submission:

Center for Human Genetics and Genomic Medicine, Uniklinik Rwth Aachen
Classification: Uncertain significance for Colorectal cancer. Last evaluated: 2022-07-27. Review status: no assertion criteria provided. Collection method: clinical testing. Allele origin: germline. Observed: 1 heterozygote.
Comment: - not listed in public databases - located in functional protein kinase domain

NM_004336.5(BUB1):c.2374CTT[1] (p.Leu793del)

Gene: BUB1 (BUB1 mitotic checkpoint serine/threonine kinase; minus strand). Cytogenetic location: 2q13.
Variant type: Microsatellite.
Coding change: c.2374CTT[1] on transcript NM_004336.5 (MANE Select); one copy of the 3-base unit CTT starting at c.2374; the reference has two copies in a row; one copy, 3 bases deleted; also written c.2377_2379del.
Protein change: p.Leu793del; deletes leucine 793.
Molecular consequence: inframe deletion.
Genome position (GRCh38, 1-based): chr2:110,642,203-110,642,205, AAG deleted on the plus strand (CTT on the coding strand, the reverse complement: BUB1 is on the minus strand); deleting any 3 consecutive bases within chr2:110,642,203-110,642,208 gives the same sequence; the position shown is the placement nearest the transcript's 3' end. VCF-style (leftmost placement, unchanged base first): chr2-110642202-CAAG-C. GRCh37 (hg19) VCF-style: chr2-111399779-CAAG-C.
Other names: Chr2:110642203_110642205del; Chr2:110642206_110642208del; c.2314CTT[1], p.Leu773del (NM_001278616.2); c.2374CTT[1], p.Leu793del (NM_001278617.2); c.2377_2379del (NM_004336.5); short protein forms L773del, L793del.
Identifiers: ClinVar variation 1698393 (VCV001698393.3), dbSNP rs779946777, ClinGen allele CA53522693.